The following is an entry in ClinVar:

NM_000483.5(APOC2):c.10C>T (p.Arg4Ter)

Genes: APOC4-APOC2 (APOC4-APOC2 readthrough (NMD candidate); plus strand), APOC2 (apolipoprotein C2; plus strand). Cytogenetic location: 19q13.32.
Variant type: single nucleotide variant.
Coding change: c.10C>T on transcript NM_000483.5 (MANE Select); coding-DNA position 10, C replaced by T.
Protein change: p.Arg4Ter; replaces arginine 4 with a stop codon.
Molecular consequence: nonsense. On other transcripts: non-coding transcript variant (1).
Genome position (GRCh38, 1-based): chr19:44,948,488, C>T. VCF-style: chr19-44948488-C-T. GRCh37 (hg19) VCF-style: chr19-45451745-C-T.
Other names: c.10C>T (NM_000483.4); short protein forms R4*.
Identifiers: ClinVar variation 1374052 (VCV001374052.10), dbSNP rs202190413, ClinGen allele CA9506567.

ClinVar aggregate classification (germline): Pathogenic/Likely pathogenic. Review status: criteria provided, multiple submitters, no conflicts (2 of 4 stars). 3 submissions from 3 submitters: Pathogenic (2); Likely pathogenic (1). Last evaluated 2024-05-31.

Conditions:
Familial apolipoprotein C-II deficiency. Also called: HYPERLIPOPROTEINEMIA, TYPE IB; APOC2 DEFICIENCY; C-II ANAPOLIPOPROTEINEMIA. Identifiers: Orphanet 309020, Orphanet 444490, MedGen C1720779, MONDO:0008810, OMIM 207750.

gnomAD v4.1: 13 of 1,613,892 alleles (0.00081%); highest among the groups gnomAD compares: Admixed American, 0.0083%; no homozygotes.

Submissions (3):

Labcorp Genetics (formerly Invitae), Labcorp
Classification: Pathogenic. Last evaluated: 2024-05-31. Review status: criteria provided, single submitter. Criteria: Invitae Variant Classification Sherloc (09022015). Collection method: clinical testing. Allele origin: germline.
Comment: This sequence change creates a premature translational stop signal (p.Arg4*) in the APOC2 gene. It is expected to result in an absent or disrupted protein product. Loss-of-function variants in APOC2 are known to be pathogenic (PMID: 1569385, 1971748, 26772541). This variant is present in population databases (rs202190413, gnomAD 0.01%). This premature translational stop signal has been observed in individual(s) with apolipoprotein C-II deficiency (PMID: 1569385). This variant is also known as ApoC-II Paris2. ClinVar contains an entry for this variant (Variation ID: 1374052). For these reasons, this variant has been classified as Pathogenic.

GeneDx
Classification: Pathogenic. Last evaluated: 2023-07-14. Review status: criteria provided, single submitter. Criteria: GeneDx Variant Classification Process June 2021. Collection method: clinical testing. Allele origin: germline. Affected: yes.
Comment: Nonsense variant predicted to result in protein truncation or nonsense mediated decay in a gene for which loss of function is a known mechanism of disease; Not observed at significant frequency in large population cohorts (gnomAD); This variant is associated with the following publications: (PMID: 34426522, 1569385)

Neuberg Centre For Genomic Medicine, NCGM
Classification: Likely pathogenic for Familial apolipoprotein C-II deficiency. Last evaluated: 2023-05-20. Review status: criteria provided, single submitter. Criteria: ACMG Guidelines, 2015. Collection method: clinical testing. Allele origin: germline. Inheritance: Autosomal recessive inheritance. Affected: yes.
Comment: The observed stop gained variant c.10C>T(p.Arg4Ter) in APOC2 gene has been reported in homozygous state in an individual with apolipoprotein C-II deficiency (Parrott CL, et al., 1992). The c.10C>T variant has 0.003% allele frequency in gnomAD Exomes. This variant has been reported to the ClinVar database as Pathogenic. Computational evidence (Mutation Taster - Disease causing) predicts damaging effect on protein structure and function for this variant.This variant is predicted to cause loss of normal protein function through protein truncation. Loss of function variants have been previously reported to be disease causing (Jiang J, et al.., 2016). For these reasons, this variant has been classified as Likely Pathogenic.

Literature cited by the submitters: PubMed 1569385 (cited by Labcorp Genetics (formerly Invitae), Labcorp); PubMed 1971748 (cited by Labcorp Genetics (formerly Invitae), Labcorp); PubMed 26772541 (cited by Labcorp Genetics (formerly Invitae), Labcorp).